The following is an entry in ClinVar:

ClinVar aggregate classification (germline): Likely pathogenic (3 of 4 stars; one submission).

Conditions:
Monogenic diabetes. Identifiers: Orphanet 183625, MedGen C3888631, MONDO:0015967.

Submission:

ClinGen Monogenic Diabetes Variant Curation Expert Panel
Classification: Likely pathogenic for Monogenic diabetes. Last evaluated: 2026-02-06. Review status: reviewed by expert panel. Criteria: ClinGen Diabetes ACMG Specifications HNF1A V3.1.0. Collection method: curation. Allele origin: germline. Inheritance: Autosomal dominant inheritance.
Comment: The c.619G>T variant in the HNF1 homeobox A gene, HNF1A, causes an amino acid change of glycine to cysteine at codon 207 (p.(Gly207Cys)) of NM_000545.8. This variant is predicted to be deleterious by computational evidence, with a REVEL score of 0.923, which is greater than the MDEP threshold of 0.70 (PP3). Additionally, this variant is located within the DNA binding domain (codons 107-174 and 201-280) of HNF1A, which is defined as critical for the protein’s function by the ClinGen MDEP (PM1_Supporting). This variant is absent from gnomAD v4.1.0 (PM2_Supporting). Another missense variant at the same residue, c.620G>A p.(Gly207Asp), has been interpreted as pathogenic by the ClinGen MDEP and p.Gly207Cys has an equal or greater Grantham distance (PM5). This variant was identified in three unrelated individuals with non-autoimmune and non-absolute/near-absolute insulin-deficient diabetes; however, PS4_Moderate cannot be applied because this number is below the ClinGen MDEP threshold. In summary, c.619G>T meets the criteria to be classified as likely pathogenic for monogenic diabetes. ACMG/AMP criteria applied, as specified by the ClinGen MDEP (specification version 3.1.0, approved 10/10/2025): PP3, PP4_Moderate, PM1_Supporting, PM2_Supporting, PM5.

NM_000545.8(HNF1A):c.619G>T (p.Gly207Cys)

Gene: HNF1A (HNF1 homeobox A; plus strand). Cytogenetic location: 12q24.31.
Variant type: single nucleotide variant.
Coding change: c.619G>T on transcript NM_000545.8 (MANE Select); coding-DNA position 619, G replaced by T.
Protein change: p.Gly207Cys; replaces glycine 207 with cysteine.
Molecular consequence: missense variant.
Genome position (GRCh38, 1-based): chr12:120,993,612, G>T. VCF-style: chr12-120993612-G-T. GRCh37 (hg19) VCF-style: chr12-121431415-G-T.
Other names: NM_001306179.2:c.619G>T; c.619G>T, p.Gly207Cys (NM_001306179.2); short protein forms G207C.
Identifiers: ClinVar variation 1699995 (VCV001699995.2), dbSNP rs2135839346, ClinGen allele CA386964418.
Genomic context (GRCh38, chr12:120,993,612, plus strand): 5'-GAAGAGCCCACAGGTGATGAGCTACCAACCAAGAAGGGGCGGAGGAACCGTTTCAAGTGG[G>T]GCCCAGCATCCCAGCAGATCCTGTTCCAGGCCTATGAGAGGCAGAAGAACCCTAGCAAGG-3'
Protein context (NP_000536.6, residues 197-217): KKGRRNRFKW[Gly207Cys]PASQQILFQA